The following is an entry in ClinVar:

NM_004364.5(CEBPA):c.942G>A (p.Val314=)

Gene: CEBPA (CCAAT enhancer binding protein alpha; minus strand). Cytogenetic location: 19q13.11.
Variant type: single nucleotide variant.
Coding change: c.942G>A on transcript NM_004364.5 (MANE Select); coding-DNA position 942, G replaced by A.
Protein change: p.Val314=; no amino-acid change (valine 314 retained).
Molecular consequence: synonymous variant.
Genome position (GRCh38, 1-based): chr19:33,301,473, C>T on the plus strand (G>A on the coding strand, the complement: CEBPA is on the minus strand). VCF-style: chr19-33301473-C-T. GRCh37 (hg19) VCF-style: chr19-33792379-C-T.
Other names: c.585G>A, p.Val195= (NM_001285829.2); c.1047G>A, p.Val349= (NM_001287424.2); c.900G>A, p.Val300= (NM_001287435.2).
Identifiers: ClinVar variation 5034322 (VCV005034322.1).

ClinVar aggregate classification (germline): Uncertain significance (1 of 4 stars; one submission).

Conditions:
Inborn genetic diseases. Identifiers: MedGen C0950123, MeSH D030342.

Submission:

Ambry Genetics
Classification: Uncertain significance for Inborn genetic diseases. Last evaluated: 2026-09-11. Review status: criteria provided, single submitter. Criteria: Ambry Variant Classification Scheme 2023. Collection method: clinical testing. Allele origin: germline.
Comment: The c.942G>A variant (also known as p.V314V), located in coding exon 1 of the CEBPA gene, results from a G to A substitution at nucleotide position 942. This nucleotide substitution does not change the amino acid at codon 314. This nucleotide position is well conserved in available vertebrate species. In silico splice site analysis for this alteration is inconclusive. Based on the available evidence, the clinical significance of this variant remains unclear.